The following is an entry in ClinVar:

NM_000129.4(F13A1):c.1305+1G>A

Gene: F13A1 (coagulation factor XIII A chain; minus strand). Cytogenetic location: 6p25.1.
Variant type: single nucleotide variant.
Coding change: c.1305+1G>A on transcript NM_000129.4 (MANE Select); the canonical splice donor site of the intron after coding-DNA position 1305, G replaced by A.
Molecular consequence: splice donor variant.
Genome position (GRCh38, 1-based): chr6:6,195,796, C>T on the plus strand (G>A on the coding strand, the complement: F13A1 is on the minus strand). VCF-style: chr6-6195796-C-T. GRCh37 (hg19) VCF-style: chr6-6196029-C-T.
Identifiers: ClinVar variation 2637102 (VCV002637102.1), dbSNP rs1479557022, ClinGen allele CA362738625.

ClinVar aggregate classification (germline): Pathogenic (1 of 4 stars; one submission).

Conditions:
F13A1-related disorder. Also called: F13A1-related condition.

Allele frequency attached by ClinVar (database versions not stated): TOPMed below 0.00001; gnomAD exomes 0.00001.
gnomAD v4.1: 5 of 1,613,932 alleles (0.00031%); highest among the groups gnomAD compares: Non-Finnish European, 0.00025%; no homozygotes.

Submission:

PreventionGenetics, part of Exact Sciences
Classification: Pathogenic for F13A1-related condition. Last evaluated: 2022-09-11. Review status: criteria provided, single submitter. Criteria: ACMG Guidelines, 2015. Collection method: clinical testing. Allele origin: germline.
Comment: The F13A1 c.1305+1G>A variant is predicted to disrupt the GT donor site and interfere with normal splicing. This variant was reported in an individual with Factor XIII deficiency (Schroeder et al. 2006. PubMed ID: 16543965). This variant is reported in 0.00088% of alleles in individuals of European (Non-Finnish) descent in gnomAD. Variants that disrupt the consensus splice donor site in F13A1 are expected to be pathogenic. This variant is interpreted as pathogenic.